The following is an entry in ClinVar:

ClinVar aggregate classification (germline): Uncertain significance (1 of 4 stars; one submission).

Conditions:
Charcot-Marie-Tooth disease type 2R. Also called: CHARCOT-MARIE-TOOTH DISEASE, AXONAL, AUTOSOMAL RECESSIVE, TYPE 2R; Charcot-Marie-Tooth disease, axonal, type 2R; CHARCOT-MARIE-TOOTH NEUROPATHY, TYPE 2R. Identifiers: Orphanet 397968, MedGen C3809655, MONDO:0014208, OMIM 615490.

Allele frequency attached by ClinVar (database versions not stated): gnomAD exomes below 0.00001; ExAC 0.00001; gnomAD 0.00001; TOPMed 0.00002; ESP Exome Variant Server 0.00008.
gnomAD v4.1: 4 of 1,614,070 alleles (0.00025%); highest among the groups gnomAD compares: Non-Finnish European, 0.00025%; no homozygotes.

Submission:

Labcorp Genetics (formerly Invitae), Labcorp
Classification: Uncertain significance for Charcot-Marie-Tooth disease type 2R. Last evaluated: 2023-08-03. Review status: criteria provided, single submitter. Criteria: Invitae Variant Classification Sherloc (09022015). Collection method: clinical testing. Allele origin: germline.
Comment: In summary, the available evidence is currently insufficient to determine the role of this variant in disease. Therefore, it has been classified as a Variant of Uncertain Significance. An algorithm developed to predict the effect of missense changes on protein structure and function (PolyPhen-2) suggests that this variant is likely to be tolerated. This variant has not been reported in the literature in individuals affected with TRIM2-related conditions. This variant is present in population databases (rs147058700, gnomAD 0.003%). This sequence change replaces valine, which is neutral and non-polar, with alanine, which is neutral and non-polar, at codon 217 of the TRIM2 protein (p.Val217Ala).

NM_015271.5(TRIM2):c.731T>C (p.Val244Ala)

Gene: TRIM2 (tripartite motif containing 2; plus strand). Cytogenetic location: 4q31.3.
Variant type: single nucleotide variant.
Coding change: c.731T>C on transcript NM_015271.5 (MANE Select); coding-DNA position 731, T replaced by C.
Protein change: p.Val244Ala; replaces valine 244 with alanine.
Molecular consequence: missense variant. On other transcripts: splice donor variant (2), intron variant (2).
Genome position (GRCh38, 1-based): chr4:153,294,430, T>C. VCF-style: chr4-153294430-T-C. GRCh37 (hg19) VCF-style: chr4-154215582-T-C.
Other names: c.650T>C, p.Val217Ala (NM_001130067.2, NM_001351056.2, NM_001375512.1 and 5 more transcripts); c.704T>C, p.Val235Ala (NM_001351054.2); c.701T>C, p.Val234Ala (NM_001351055.2); c.275T>C, p.Val92Ala (NM_001351057.2); c.824T>C, p.Val275Ala (NM_001375488.1); c.821T>C, p.Val274Ala (NM_001375489.1); c.392T>C, p.Val131Ala (NM_001375522.1, NM_001375523.1, NM_001375525.1); c.729+2T>C (NM_001375490.1); and 3 more; short protein forms V131A, V244A, V274A, V217A, V275A, V92A, V234A, V235A.
Identifiers: ClinVar variation 3006271 (VCV003006271.3), dbSNP rs147058700, ClinGen allele CA3108612.
Genomic context (GRCh38, chr4:153,294,430, plus strand): 5'-AGGCCAGCATCGTGGATGACATTCATTCCACCTTTGATGAGCTCCAGAAGACTTTAAATG[T>C]GCGCAAGAGTGTGCTGCTTATGGAATTGGAGGTCAACTATGGCCTCAAACACAAAGTAAG-3'
Protein context (NP_056086.2, residues 234-254): TFDELQKTLN[Val244Ala]RKSVLLMELE